The following is an entry in ClinVar:

ClinVar aggregate classification (germline): Uncertain significance (1 of 4 stars; one submission).

gnomAD v4.1: 4 of 1,593,192 alleles (0.00025%); highest among the groups gnomAD compares: Non-Finnish European, 0.000086%; no homozygotes.

Submission:

Labcorp Genetics (formerly Invitae), Labcorp
Classification: Uncertain significance. Last evaluated: 2024-05-21. Review status: criteria provided, single submitter. Criteria: Invitae Variant Classification Sherloc (09022015). Collection method: clinical testing. Allele origin: germline.
Comment: This sequence change replaces lysine, which is basic and polar, with arginine, which is basic and polar, at codon 72 of the ZBTB20 protein (p.Lys72Arg). This variant is present in population databases (no rsID available, gnomAD 0.002%). This variant has not been reported in the literature in individuals affected with ZBTB20-related conditions. Advanced modeling of protein sequence and biophysical properties (such as structural, functional, and spatial information, amino acid conservation, physicochemical variation, residue mobility, and thermodynamic stability) has been performed at Invitae for this missense variant, however the output from this modeling did not meet the statistical confidence thresholds required to predict the impact of this variant on ZBTB20 protein function. In summary, the available evidence is currently insufficient to determine the role of this variant in disease. Therefore, it has been classified as a Variant of Uncertain Significance.

NM_001348800.3(ZBTB20):c.215A>G (p.Lys72Arg)

Genes: ZBTB20 (zinc finger and BTB domain containing 20; minus strand), ZBTB20-AS1 (ZBTB20 antisense RNA 1; plus strand). Cytogenetic location: 3q13.31.
Variant type: single nucleotide variant.
Coding change: c.215A>G on transcript NM_001348800.3 (MANE Select); coding-DNA position 215, A replaced by G.
Protein change: p.Lys72Arg; replaces lysine 72 with arginine.
Molecular consequence: missense variant. On other transcripts: non-coding transcript variant (1), 5 prime UTR variant (12).
Genome position (GRCh38, 1-based): chr3:114,351,863, T>C on the plus strand (A>G on the coding strand, the complement: ZBTB20 is on the minus strand). VCF-style: chr3-114351863-T-C. GRCh37 (hg19) VCF-style: chr3-114070710-T-C.
Other names: c.215A>G, p.Lys72Arg (NM_001164342.2, NM_001348803.3, NM_001393393.1 and 1 more transcripts); c.-5A>G (NM_001164343.2, NM_001164344.4, NM_001164345.4 and 9 more transcripts); short protein forms K72R.
Identifiers: ClinVar variation 3691487 (VCV003691487.2).